The following is an entry in ClinVar:

ClinVar aggregate classification (germline): Uncertain significance. Review status: criteria provided, multiple submitters, no conflicts (2 of 4 stars). 2 submissions from 2 submitters: Uncertain significance (2). Last evaluated 2025-04-03.

Conditions:
Early-infantile DEE. Also called: Ohtahara syndrome; Early infantile epileptic encephalopathy with suppression bursts; Early infantile epileptic encephalopathy. Identifiers: Orphanet 1934, MedGen C0393706, MONDO:0800491.

Allele frequency attached by ClinVar (database versions not stated): gnomAD 0.00001.
gnomAD v4.1: 1 of 1,613,172 alleles (0.000062%); highest among the groups gnomAD compares: Admixed American, 0.0017%; no homozygotes.

Submissions (2):

Ambry Genetics
Classification: Uncertain significance. Last evaluated: 2025-04-03. Review status: criteria provided, single submitter. Criteria: Ambry Variant Classification Scheme 2023. Collection method: clinical testing. Allele origin: germline.

Labcorp Genetics (formerly Invitae), Labcorp
Classification: Uncertain significance for Early-infantile DEE. Last evaluated: 2023-08-30. Review status: criteria provided, single submitter. Criteria: Invitae Variant Classification Sherloc (09022015). Collection method: clinical testing. Allele origin: germline.
Comment: This sequence change replaces cysteine, which is neutral and slightly polar, with glycine, which is neutral and non-polar, at codon 493 of the ARHGEF15 protein (p.Cys493Gly). This variant is not present in population databases (gnomAD no frequency). This variant has not been reported in the literature in individuals affected with ARHGEF15-related conditions. An algorithm developed to predict the effect of missense changes on protein structure and function (PolyPhen-2) suggests that this variant is likely to be disruptive. In summary, the available evidence is currently insufficient to determine the role of this variant in disease. Therefore, it has been classified as a Variant of Uncertain Significance.

NM_173728.4(ARHGEF15):c.1477T>G (p.Cys493Gly)

Gene: ARHGEF15 (Rho guanine nucleotide exchange factor 15; plus strand). Cytogenetic location: 17p13.1.
Variant type: single nucleotide variant.
Coding change: c.1477T>G on transcript NM_173728.4 (MANE Select); coding-DNA position 1477, T replaced by G.
Protein change: p.Cys493Gly; replaces cysteine 493 with glycine.
Molecular consequence: missense variant.
Genome position (GRCh38, 1-based): chr17:8,315,810, T>G. VCF-style: chr17-8315810-T-G. GRCh37 (hg19) VCF-style: chr17-8219128-T-G.
Other names: c.1477T>G, p.Cys493Gly (NM_025014.2); c.1477T>G (NM_173728.3); short protein forms C493G.
Identifiers: ClinVar variation 2972558 (VCV002972558.4), dbSNP rs1210115978, ClinGen allele CA398020655.